The following is an entry in ClinVar:

NM_201378.4(PLEC):c.71-5203C>T

Gene: PLEC (plectin; minus strand). Cytogenetic location: 8q24.3.
Variant type: single nucleotide variant.
Coding change: c.71-5203C>T on transcript NM_201378.4 (MANE Plus Clinical); 5203 bases into the intron before coding-DNA position 71, C replaced by T.
Molecular consequence: intron variant. On other transcripts: 5 prime UTR variant (1).
Genome position (GRCh38, 1-based): chr8:143,943,895, G>A on the plus strand (C>T on the coding strand, the complement: PLEC is on the minus strand). VCF-style: chr8-143943895-G-A. GRCh37 (hg19) VCF-style: chr8-145018063-G-A.
Other names: c.-5C>T (NM_201382.4); c.194-5203C>T (NM_001410941.1, NM_000445.5); c.47-5203C>T (NM_201379.3); c.524-5203C>T (NM_201380.4); c.16+753C>T (NM_201381.3).
Identifiers: ClinVar variation 3029653 (VCV003029653.2), dbSNP rs377111376, ClinGen allele CA4928818.

ClinVar aggregate classification (germline): Likely benign (0 of 4 stars; one submission).

Conditions:
PLEC-related disorder. Also called: PLEC-related disorders; PLEC-related condition.

Allele frequency attached by ClinVar (database versions not stated): ESP Exome Variant Server 0.00016; ExAC 0.00005; gnomAD 0.00005; TOPMed 0.00003.
gnomAD v4.1: 114 of 1,609,964 alleles (0.0071%); highest among the groups gnomAD compares: Non-Finnish European, 0.0094%; no homozygotes.

Submission:

PreventionGenetics, part of Exact Sciences
Classification: Likely benign for PLEC-related condition. Last evaluated: 2023-11-19. Review status: no assertion criteria provided. Collection method: clinical testing. Allele origin: germline.
Comment: This variant is classified as likely benign based on ACMG/AMP sequence variant interpretation guidelines (Richards et al. 2015 PMID: 25741868, with internal and published modifications).